The following is an entry in ClinVar:

ClinVar aggregate classification (germline): Benign/Likely benign (0 of 4 stars; one submission).

Submission:

ISCA site 4
Classification: Benign/Likely benign. Last evaluated: 2012-09-21. Review status: no assertion criteria provided. Collection method: clinical testing. Allele origin: unknown. Affected: yes. Observed: 3 variant alleles. Clinical features observed: Developmental delay AND/OR other significant developmental or morphological phenotypes.
Comment: Likely benign (2), Benign (1)

Copy number variation identified through the course of routine clinical cytogenomic testing in postnatal populations, with clinical assertions as classified by the original submitter.

GRCh38/hg38 5q35.3(chr5:181149812-181177344)x3

Genes: OR2V2 (olfactory receptor family 2 subfamily V member 2; plus strand), TRL-AAG1-3 (tRNA-Leu (anticodon AAG) 1-3; minus strand), TRV-AAC1-2 (tRNA-Val (anticodon AAC) 1-2; plus strand), TRV-AAC1-3 (tRNA-Val (anticodon AAC) 1-3; plus strand), TRV-CAC1-4 (tRNA-Val (anticodon CAC) 1-4; plus strand) and 7 more. Cytogenetic location: 5q35.3.
Variant type: copy number gain.
Change: copy number 3 (three copies instead of two) of chr5:181,149,812-181,177,344 (27.5 kb, GRCh38 coordinates, 1-based), cytogenetic band 5q35.3.
Identifiers: ClinVar variation 145377 (VCV000145377.2).